The following is an entry in ClinVar:

ClinVar aggregate classification (germline): Uncertain significance (1 of 4 stars; one submission).

Submission:

GeneDx
Classification: Uncertain significance. Last evaluated: 2025-08-25. Review status: criteria provided, single submitter. Criteria: GeneDx Variant Classification Process June 2021. Collection method: clinical testing. Allele origin: germline. Affected: yes.
Comment: Not observed at significant frequency in large population cohorts (gnomAD); In silico analysis indicates that this missense variant does not alter protein structure/function; Has not been previously published as pathogenic or benign to our knowledge; In silico analysis suggests this variant may impact gene splicing. In the absence of RNA/functional studies, the actual effect of this sequence change is unknown.

NM_015057.5(MYCBP2):c.5708A>G (p.Asp1903Gly)

Gene: MYCBP2 (MYC binding protein 2; minus strand). Cytogenetic location: 13q22.3.
Variant type: single nucleotide variant.
Coding change: c.5708A>G on transcript NM_015057.5 (MANE Select); coding-DNA position 5708, A replaced by G.
Protein change: p.Asp1903Gly; replaces aspartic acid 1903 with glycine.
Molecular consequence: missense variant.
Genome position (GRCh38, 1-based): chr13:77,171,578, T>C on the plus strand (A>G on the coding strand, the complement: MYCBP2 is on the minus strand). VCF-style: chr13-77171578-T-C. GRCh37 (hg19) VCF-style: chr13-77745713-T-C.
Other names: short protein forms D1903G.
Identifiers: ClinVar variation 3901782 (VCV003901782.2).